The following is an entry in ClinVar:

NC_000014.9:g.105852010C>T

Genes: IGH (immunoglobulin heavy locus; minus strand), IGHM (immunoglobulin heavy constant mu; minus strand). Cytogenetic location: 14q32.33.
Variant type: single nucleotide variant.
Genome position: GRCh38 VCF-style: chr14-105852010-C-T. GRCh37 (hg19) VCF-style: chr14-106318342-T-T.
Identifiers: ClinVar variation 2688004 (VCV002688004.2), dbSNP rs2256593, ClinGen allele CA266542227.

ClinVar aggregate classification (germline): Benign (1 of 4 stars; one submission).

Allele frequency attached by ClinVar (database versions not stated): 1000 Genomes Project 30x 0.44347; TOPMed 0.44513.

Submission:

Unidad de Genómica Garrahan, Hospital de Pediatría Garrahan
Classification: Benign. Last evaluated: 2024-01-24. Review status: criteria provided, single submitter. Criteria: ACMG Guidelines, 2015. Collection method: clinical testing. Allele origin: germline. Affected: no. Observed: 69 variant alleles.
Comment: This variant is classified as Benign based on local population frequency. This variant was detected in 73% of patients studied by a panel of primary immunodeficiencies. Number of patients: 69. Only high quality variants are reported.